The following is an entry in ClinVar:

NM_018230.3(NUP133):c.2659C>T (p.Arg887Cys)

Gene: NUP133 (nucleoporin 133; minus strand). Cytogenetic location: 1q42.13.
Variant type: single nucleotide variant.
Coding change: c.2659C>T on transcript NM_018230.3 (MANE Select); coding-DNA position 2659, C replaced by T.
Protein change: p.Arg887Cys; replaces arginine 887 with cysteine.
Molecular consequence: missense variant.
Genome position (GRCh38, 1-based): chr1:229,463,569, G>A on the plus strand (C>T on the coding strand, the complement: NUP133 is on the minus strand). VCF-style: chr1-229463569-G-A. GRCh37 (hg19) VCF-style: chr1-229599316-G-A.
Other names: short protein forms R887C.
Identifiers: ClinVar variation 2510110 (VCV002510110.4), dbSNP rs201140125, ClinGen allele CA1443230.

ClinVar aggregate classification (germline): Uncertain significance. Review status: criteria provided, multiple submitters, no conflicts (2 of 4 stars). 2 submissions from 2 submitters: Uncertain significance (2). Last evaluated 2024-08-21.

Allele frequency attached by ClinVar (database versions not stated): 1000 Genomes Project 30x 0.00016; 1000 Genomes Project 0.00020.
gnomAD v4.1: 84 of 1,614,034 alleles (0.0052%); highest among the groups gnomAD compares: East Asian, 0.031%; no homozygotes.

Submissions (2):

Labcorp Genetics (formerly Invitae), Labcorp
Classification: Uncertain significance. Last evaluated: 2024-08-21. Review status: criteria provided, single submitter. Criteria: Invitae Variant Classification Sherloc (09022015). Collection method: clinical testing. Allele origin: germline.
Comment: This sequence change replaces arginine, which is basic and polar, with cysteine, which is neutral and slightly polar, at codon 887 of the NUP133 protein (p.Arg887Cys). This variant is present in population databases (rs201140125, gnomAD 0.04%). This variant has not been reported in the literature in individuals affected with NUP133-related conditions. ClinVar contains an entry for this variant (Variation ID: 2510110). An algorithm developed to predict the effect of missense changes on protein structure and function (PolyPhen-2) suggests that this variant is likely to be disruptive. In summary, the available evidence is currently insufficient to determine the role of this variant in disease. Therefore, it has been classified as a Variant of Uncertain Significance.

Ambry Genetics
Classification: Uncertain significance. Last evaluated: 2023-05-31. Review status: criteria provided, single submitter. Criteria: Ambry Variant Classification Scheme 2023. Collection method: clinical testing. Allele origin: germline.